The following is an entry in ClinVar:

NM_004415.4(DSP):c.1042G>A (p.Glu348Lys)

Gene: DSP (desmoplakin; plus strand). Cytogenetic location: 6p24.3.
Variant type: single nucleotide variant.
Coding change: c.1042G>A on transcript NM_004415.4 (MANE Select); coding-DNA position 1042, G replaced by A.
Protein change: p.Glu348Lys; replaces glutamic acid 348 with lysine.
Molecular consequence: missense variant.
Genome position (GRCh38, 1-based): chr6:7,566,479, G>A. VCF-style: chr6-7566479-G-A. GRCh37 (hg19) VCF-style: chr6-7566712-G-A.
Other names: c.1042G>A, p.Glu348Lys (NM_001008844.3, NM_001319034.2, NM_001406591.1); short protein forms E348K.
Identifiers: ClinVar variation 4785985 (VCV004785985.1).

ClinVar aggregate classification (germline): Uncertain significance (1 of 4 stars; one submission).

Conditions:
Arrhythmogenic cardiomyopathy with wooly hair and keratoderma. Also called: Carvajal syndrome; PALMOPLANTAR KERATODERMA WITH LEFT VENTRICULAR CARDIOMYOPATHY AND WOOLLY HAIR; Dilated cardiomyopathy with woolly hair and keratoderma; Arrhythmogenic cardiomyopathy with woolly hair and keratoderma. Identifiers: Orphanet 65282, MedGen C1854063, MONDO:0011581, OMIM 605676.
Arrhythmogenic right ventricular dysplasia 8 (ARVD8). Also called: Arrhythmogenic Right Ventricular Dysplasia/Cardiomyopathy 8; ARRHYTHMOGENIC RIGHT VENTRICULAR DYSPLASIA, FAMILIAL, 8; ARRHYTHMOGENIC RIGHT VENTRICULAR CARDIOMYOPATHY 8. Identifiers: MedGen C1843896, MONDO:0011831, OMIM 607450.

Submission:

Labcorp Genetics (formerly Invitae), Labcorp
Classification: Uncertain significance for Arrhythmogenic cardiomyopathy with wooly hair and keratoderma; Arrhythmogenic right ventricular dysplasia 8. Last evaluated: 2025-08-29. Review status: criteria provided, single submitter. Criteria: Invitae Variant Classification Sherloc (09022015). Collection method: clinical testing. Allele origin: germline.
Comment: This sequence change replaces glutamic acid, which is acidic and polar, with lysine, which is basic and polar, at codon 348 of the DSP protein (p.Glu348Lys). This variant is not present in population databases (gnomAD no frequency). This variant has not been reported in the literature in individuals affected with DSP-related conditions. An algorithm developed to predict the effect of missense changes on protein structure and function (PolyPhen-2) suggests that this variant is likely to be disruptive. In summary, the available evidence is currently insufficient to determine the role of this variant in disease. Therefore, it has been classified as a Variant of Uncertain Significance.